The following is an entry in ClinVar:

ClinVar aggregate classification (germline): Uncertain significance (1 of 4 stars; one submission).

Allele frequency attached by ClinVar (database versions not stated): ExAC 0.00001; TOPMed 0.00002; gnomAD 0.00004.

Submission:

Labcorp Genetics (formerly Invitae), Labcorp
Classification: Uncertain significance. Last evaluated: 2022-04-17. Review status: criteria provided, single submitter. Criteria: Invitae Variant Classification Sherloc (09022015). Collection method: clinical testing. Allele origin: germline.
Comment: In summary, the available evidence is currently insufficient to determine the role of this variant in disease. Therefore, it has been classified as a Variant of Uncertain Significance. Algorithms developed to predict the effect of missense changes on protein structure and function output the following: SIFT: "Tolerated"; PolyPhen-2: "Benign"; Align-GVGD: "Class C0". The glutamine amino acid residue is found in multiple mammalian species, which suggests that this missense change does not adversely affect protein function. This variant has not been reported in the literature in individuals affected with ZDBF2-related conditions. This variant is present in population databases (rs757506025, gnomAD 0.002%). This sequence change replaces arginine, which is basic and polar, with glutamine, which is neutral and polar, at codon 1690 of the ZDBF2 protein (p.Arg1690Gln).

NM_020923.3(ZDBF2):c.5069G>A (p.Arg1690Gln)

Gene: ZDBF2 (zinc finger DBF-type containing 2; plus strand). Cytogenetic location: 2q33.3.
Variant type: single nucleotide variant.
Coding change: c.5069G>A on transcript NM_020923.3 (MANE Select); coding-DNA position 5069, G replaced by A.
Protein change: p.Arg1690Gln; replaces arginine 1690 with glutamine.
Molecular consequence: missense variant.
Genome position (GRCh38, 1-based): chr2:206,309,597, G>A. VCF-style: chr2-206309597-G-A. GRCh37 (hg19) VCF-style: chr2-207174321-G-A.
Other names: c.5063G>A, p.Arg1688Gln (NM_001285549.2); c.5069G>A, p.Arg1690Gln (NM_001369654.1); short protein forms R1690Q, R1688Q.
Identifiers: ClinVar variation 2159899 (VCV002159899.4), dbSNP rs757506025, ClinGen allele CA2072402.